The following is an entry in ClinVar:

ClinVar aggregate classification (germline): Conflicting classifications of pathogenicity. Review status: criteria provided, conflicting classifications (1 of 4 stars). 2 submissions from 2 submitters: Uncertain significance (1); Likely benign (1). Last evaluated 2023-05-09.

Conditions:
UBAP1-related disorder. Also called: UBAP1-related condition.

Allele frequency attached by ClinVar (database versions not stated): gnomAD 0.00001; gnomAD exomes 0.00001.
gnomAD v4.1: 16 of 1,614,000 alleles (0.00099%); highest among the groups gnomAD compares: Non-Finnish European, 0.0014%; no homozygotes.

Submissions (2):

PreventionGenetics, part of Exact Sciences
Classification: Uncertain significance for UBAP1-related condition. Last evaluated: 2023-05-09. Review status: criteria provided, single submitter. Criteria: ACMG Guidelines, 2015. Collection method: clinical testing. Allele origin: germline.
Comment: The UBAP1 c.697C>A variant is predicted to result in the amino acid substitution p.Leu233Met. To our knowledge, this variant has not been reported in the literature. This variant is reported in 0.00088% of alleles in individuals of European (Non-Finnish) descent in gnomAD. At this time, the clinical significance of this variant is uncertain due to the absence of conclusive functional and genetic evidence.

CeGaT Center for Human Genetics Tuebingen
Classification: Likely benign. Last evaluated: 2022-12-01. Review status: criteria provided, single submitter. Criteria: CeGaT Center For Human Genetics Tuebingen Variant Classification Criteria Version 2. Collection method: clinical testing. Allele origin: germline. Affected: yes. Observed: 1 variant allele.
Comment: UBAP1: BP1

NM_016525.5(UBAP1):c.505C>A (p.Leu169Met)

Gene: UBAP1 (ubiquitin associated protein 1; plus strand). Cytogenetic location: 9p13.3.
Variant type: single nucleotide variant.
Coding change: c.505C>A on transcript NM_016525.5 (MANE Select); coding-DNA position 505, C replaced by A.
Protein change: p.Leu169Met; replaces leucine 169 with methionine.
Molecular consequence: missense variant. On other transcripts: non-coding transcript variant (1).
Genome position (GRCh38, 1-based): chr9:34,241,530, C>A. VCF-style: chr9-34241530-C-A. GRCh37 (hg19) VCF-style: chr9-34241528-C-A.
Other names: c.697C>A, p.Leu233Met (NM_001171201.1); c.613C>A, p.Leu205Met (NM_001171202.1); c.505C>A, p.Leu169Met (NM_001171203.3, NM_001171204.3); short protein forms L169M, L205M, L233M.
Identifiers: ClinVar variation 2635758 (VCV002635758.24), dbSNP rs562285027, ClinGen allele CA192601312.
Genomic context (GRCh38, chr9:34,241,530, plus strand): 5'-CACATAAAGGCGGATTTCAATCTTGCTGACTTTGAGTGTGAAGAAGACCCATTTGATAAT[C>A]TGGAGTTAAAAACTATTGATGAGAAGGAAGAGCTGAGAAATATTCTGGTAGGAACCACTG-3'
Protein context (NP_057609.2, residues 159-179): FECEEDPFDN[Leu169Met]ELKTIDEKEE